The following is an entry in ClinVar:

NM_020937.4(FANCM):c.2268C>A (p.Arg756=)

Gene: FANCM (FA complementation group M; plus strand). Cytogenetic location: 14q21.2.
Variant type: single nucleotide variant.
Coding change: c.2268C>A on transcript NM_020937.4 (MANE Select); coding-DNA position 2268, C replaced by A.
Protein change: p.Arg756=; no amino-acid change (arginine 756 retained).
Molecular consequence: synonymous variant.
Genome position (GRCh38, 1-based): chr14:45,173,162, C>A. VCF-style: chr14-45173162-C-A. GRCh37 (hg19) VCF-style: chr14-45642365-C-A.
Other names: c.2268C>A (LRG_502t1); c.2190C>A, p.Arg730= (NM_001308133.2).
Identifiers: ClinVar variation 414847 (VCV000414847.63), dbSNP rs146061601, ClinGen allele CA7169307.

ClinVar aggregate classification (germline): Benign/Likely benign. Review status: criteria provided, multiple submitters, no conflicts (2 of 4 stars). 11 submissions from 11 submitters: Benign (1); Likely benign (8). 2 of the submissions do not count toward it. Last evaluated 2026-08-01.

Conditions:
Inborn genetic diseases. Identifiers: MedGen C0950123, MeSH D030342.
Fanconi anemia (FA). Also called: Fanconi's anemia. Identifiers: Orphanet 84, MedGen C0015625, MeSH D005199, MONDO:0019391.
Hereditary cancer-predisposing syndrome. Also called: Hereditary neoplastic syndrome; Neoplastic Syndromes, Hereditary; Hereditary Cancer Syndrome; Tumor predisposition. Identifiers: Orphanet 140162, MedGen C0027672, MeSH D009386, MONDO:0015356.

Allele frequency attached by ClinVar (database versions not stated): 1000 Genomes Project 30x 0.00047; 1000 Genomes Project 0.00060; ExAC 0.00098; gnomAD exomes 0.00112 and 0.00223; TOPMed 0.00117; gnomAD 0.00128 and 0.00129; ESP Exome Variant Server 0.00208.
gnomAD v4.1: 3,403 of 1,613,700 alleles (0.21%); highest among the groups gnomAD compares: Non-Finnish European, 0.28%; 7 homozygotes.

Submissions (11):

CeGaT Center for Human Genetics Tuebingen
Classification: Likely benign. Last evaluated: 2026-08-01. Review status: criteria provided, single submitter. Criteria: CeGaT Center For Human Genetics Tuebingen Variant Classification Criteria Version 2. Collection method: clinical testing. Allele origin: germline. Affected: yes. Observed: 26 variant alleles.
Comment: FANCM: BP4, BP7

Labcorp Genetics (formerly Invitae), Labcorp
Classification: Likely benign for Fanconi anemia. Last evaluated: 2026-01-25. Review status: criteria provided, single submitter. Criteria: Invitae Variant Classification Sherloc (09022015). Collection method: clinical testing. Allele origin: germline.

Quest Diagnostics Nichols Institute San Juan Capistrano
Classification: Benign. Last evaluated: 2025-05-26. Review status: criteria provided, single submitter. Criteria: Quest Diagnostics criteria. Collection method: clinical testing. Allele origin: unknown.

Blueprint Genetics
Classification: Likely benign. Last evaluated: 2024-11-19. Review status: criteria provided, single submitter. Criteria: ACMG Guidelines, 2015. Collection method: clinical testing. Allele origin: germline.

Ambry Genetics
Classification: Likely benign for Inborn genetic diseases. Last evaluated: 2024-10-04. Review status: criteria provided, single submitter. Criteria: Ambry Variant Classification Scheme 2023. Collection method: clinical testing. Allele origin: germline.

Genetic Services Laboratory, University of Chicago
Classification: Likely benign. Last evaluated: 2021-10-18. Review status: criteria provided, single submitter. Criteria: ACMG Guidelines, 2015. Collection method: clinical testing. Allele origin: germline. Affected: no.

Sema4
Classification: Likely benign for Hereditary cancer-predisposing syndrome. Last evaluated: 2021-06-04. Review status: criteria provided, single submitter. Criteria: Sema4 Curation Guidelines. Collection method: curation. Allele origin: germline.

GeneDx
Classification: Likely benign. Last evaluated: 2020-12-14. Review status: criteria provided, single submitter. Criteria: GeneDx Variant Classification Process June 2021. Collection method: clinical testing. Allele origin: germline. Affected: yes.

Breakthrough Genomics
Classification: Likely benign. Review status: criteria provided, single submitter. Criteria: ACMG Guidelines, 2015. Collection method: not provided. Allele origin: germline. Inheritance: Autosomal recessive inheritance. Affected: yes.

Clinical Genetics DNA and cytogenetics Diagnostics Lab, Erasmus MC, Erasmus Medical Center
Classification: Likely benign. Review status: no assertion criteria provided. Collection method: clinical testing. Allele origin: germline. Affected: yes. Study: VKGL Data-share Consensus. Not counted in ClinVar's aggregate classification.

Genome Diagnostics Laboratory, Amsterdam University Medical Center
Classification: Likely benign. Review status: no assertion criteria provided. Collection method: clinical testing. Allele origin: germline. Affected: yes. Study: VKGL Data-share Consensus. Not counted in ClinVar's aggregate classification.